The following is an entry in ClinVar:

ClinVar aggregate classification (germline): Pathogenic. Review status: reviewed by expert panel (3 of 4 stars). 3 submissions from 3 submitters: Pathogenic (1). 2 of the submissions do not count toward it. Last evaluated 2023-08-29.

Conditions:
Hereditary cancer-predisposing syndrome. Also called: Hereditary neoplastic syndrome; Neoplastic Syndromes, Hereditary; Tumor predisposition; Hereditary Cancer Syndrome. Identifiers: Orphanet 140162, MedGen C0027672, MeSH D009386, MONDO:0015356.
CDH1-related diffuse gastric and lobular breast cancer syndrome. Also called: CDH1-related diffuse gastric and lobular breast cancer. Identifiers: MedGen CN311521, MONDO:0100488.
Hereditary diffuse gastric adenocarcinoma (HDGC). Also called: DIFFUSE GASTRIC AND LOBULAR BREAST CANCER SYNDROME. Identifiers: Orphanet 26106, MedGen C1708349, MONDO:0007648, OMIM 137215.

Submissions (3):

Clingen Gastric Cancer Variant Curation Expert Panel
Classification: Pathogenic for CDH1-related diffuse gastric and lobular breast cancer syndrome. Last evaluated: 2023-08-29. Review status: reviewed by expert panel. Criteria: ClinGen CDH1 ACMG Specifications V3.1. Collection method: curation. Allele origin: germline. Inheritance: Autosomal dominant inheritance.
Comment: The c.1085delT (p.Val362Glyfs*31) variant is predicted to result in a premature stop codon that leads to a truncated or absent protein (PVS1, PM5_Supporting). The variant is absent in the gnomAD cohort (PM2_Supporting). This variant has been reported in at least one family meeting HDGC clinical criteria (PS4_Supporting; SCV000669065.1). Therefore, this variant meets criteria to be classified as pathogenic based on the ACMG/AMP criteria applied as specified by the CDH1 Variant Curation Expert Panel (Variant Interpretation Guidelines Version 3.1): PVS1, PM2_Supporting, PS4_Supporting, PM5_Supporting.

Ambry Genetics
Classification: Pathogenic for Hereditary cancer-predisposing syndrome. Last evaluated: 2022-08-05. Review status: criteria provided, single submitter. Criteria: Ambry Variant Classification Scheme 2023. Collection method: clinical testing. Allele origin: germline. Not counted in ClinVar's aggregate classification.
Comment: The c.1085delT pathogenic mutation, located in coding exon 8 of the CDH1 gene, results from a deletion of one nucleotide at nucleotide position 1085, causing a translational frameshift with a predicted alternate stop codon (p.V362Gfs*31). This alteration is expected to result in loss of function by premature protein truncation or nonsense-mediated mRNA decay. As such, this alteration is interpreted as a disease-causing mutation.

Labcorp Genetics (formerly Invitae), Labcorp
Classification: Pathogenic for Hereditary diffuse gastric adenocarcinoma. Last evaluated: 2021-12-02. Review status: criteria provided, single submitter. Criteria: Invitae Variant Classification Sherloc (09022015). Collection method: clinical testing. Allele origin: germline. Not counted in ClinVar's aggregate classification.
Comment: ClinVar contains an entry for this variant (Variation ID: 483264). For these reasons, this variant has been classified as Pathogenic. This variant has not been reported in the literature in individuals affected with CDH1-related conditions. This variant is not present in population databases (gnomAD no frequency). This sequence change creates a premature translational stop signal (p.Val362Glyfs*31) in the CDH1 gene. It is expected to result in an absent or disrupted protein product. Loss-of-function variants in CDH1 are known to be pathogenic (PMID: 15235021, 20373070).

Literature cited by the submitters: PubMed 15235021 (cited by Labcorp Genetics (formerly Invitae), Labcorp); PubMed 20373070 (cited by Labcorp Genetics (formerly Invitae), Labcorp).

NM_004360.5(CDH1):c.1085del (p.Val362fs)

Gene: CDH1 (cadherin 1; plus strand). Cytogenetic location: 16q22.1.
Variant type: Deletion.
Coding change: c.1085del on transcript NM_004360.5 (MANE Select); coding-DNA position 1085, one base deleted (T; older notation c.1085delT).
Protein change: p.Val362fs; shifts the reading frame from valine 362.
Molecular consequence: frameshift variant. On other transcripts: 5 prime UTR variant (2).
Genome position (GRCh38, 1-based): chr16:68,812,211, T deleted. VCF-style (leftmost placement, unchanged base first): chr16-68812210-GT-G. GRCh37 (hg19) VCF-style: chr16-68846113-GT-G.
Other names: NM_004360.4(CDH1):c.1085delT; c.1085del (LRG_301t1); c.1085del, p.Val362fs (NM_001317184.2); c.-531del (NM_001317185.2); c.-735del (NM_001317186.2); short protein forms V362fs.
Identifiers: ClinVar variation 483264 (VCV000483264.14), dbSNP rs1555515739, ClinGen allele CA658658486.